The following is an entry in ClinVar:

NM_025136.3(OPA3):c.-75G>A

Genes: OPA3 (outer mitochondrial membrane lipid metabolism regulator OPA3; minus strand), LOC130064709 (ATAC-STARR-seq lymphoblastoid active region 14802; plus strand). Cytogenetic location: 19q13.32.
Variant type: single nucleotide variant.
Coding change: c.-75G>A on transcript NM_025136.3; 75 bases upstream of the start codon, G replaced by A.
Genome position (GRCh38, 1-based): chr19:45,584,839, C>T on the plus strand (G>A on the coding strand, the complement: OPA3 is on the minus strand). VCF-style: chr19-45584839-C-T. GRCh37 (hg19) VCF-style: chr19-46088097-C-T.
Other names: c.-75G>A (NM_025136.2).
Identifiers: ClinVar variation 329687 (VCV000329687.12), dbSNP rs45598532, ClinGen allele CA10652614.
Genomic context (GRCh38, chr19:45,584,839, plus strand): 5'-AGGGCACGCGCAACCTTGCTGACTGGGCGGGGCGCCTCAACCTCTTCACTCCTCCCCCGC[C>T]CTCTCGTGGCCATGCGTGCGTCAGTACGTATGTACGTACGCTCGAGGGAAACTTCAGAGG-3'

ClinVar aggregate classification (germline): Benign. Review status: criteria provided, multiple submitters, no conflicts (2 of 4 stars). 6 submissions from 4 submitters: Benign (6). Last evaluated 2021-06-10.

Conditions:
3-Methylglutaconic aciduria type 3 (MGCA3). Also called: OPA3-Related 3-Methylglutaconic Aciduria; Costeff Syndrome; OPA3, AUTOSOMAL RECESSIVE; OPTIC ATROPHY 3, AUTOSOMAL RECESSIVE. Identifiers: Orphanet 67047, MedGen C0574084, MONDO:0009787, OMIM 258501.
Optic atrophy 3 (OPA3). Also called: Optic atrophy, cataract, and neurologic disorder; OPTIC ATROPHY 3, AUTOSOMAL DOMINANT; Optic atrophy 3 with cataract. Identifiers: Orphanet 67036, MedGen C1833809, MONDO:0008133, OMIM 165300.

Allele frequency attached by ClinVar (database versions not stated): 1000 Genomes Project 0.07169; gnomAD 0.06140 and 0.06189; TOPMed 0.06385; 1000 Genomes Project 30x 0.07370.

Submissions (6):

Genome-Nilou Lab
Classification: Benign for 3-Methylglutaconic aciduria type 3. Last evaluated: 2021-06-10. Review status: criteria provided, single submitter. Criteria: ACMG Guidelines, 2015. Collection method: clinical testing. Allele origin: germline. Affected: no.

Genome-Nilou Lab
Classification: Benign for Optic atrophy 3. Last evaluated: 2021-06-10. Review status: criteria provided, single submitter. Criteria: ACMG Guidelines, 2015. Collection method: clinical testing. Allele origin: germline. Affected: no.

GeneDx
Classification: Benign. Last evaluated: 2018-06-25. Review status: criteria provided, single submitter. Criteria: GeneDx Variant Classification Process June 2021. Collection method: clinical testing. Allele origin: germline. Affected: yes.

Illumina Laboratory Services, Illumina
Classification: Benign for Optic atrophy 3. Last evaluated: 2018-01-13. Review status: criteria provided, single submitter. Criteria: ICSL Variant Classification Criteria 13 December 2019. Collection method: clinical testing. Allele origin: germline.
Comment: This variant was observed in the ICSL laboratory as part of a predisposition screen in an ostensibly healthy population. It had not been previously curated by ICSL or reported in the Human Gene Mutation Database (HGMD: prior to June 1st, 2018), and was therefore a candidate for classification through an automated scoring system. Utilizing variant allele frequency, disease prevalence and penetrance estimates, and inheritance mode, an automated score was calculated to assess if this variant is too frequent to cause the disease. Based on the score and internal cut-off values, a variant classified as benign is not then subjected to further curation. The score for this variant resulted in a classification of benign for this disease.

Illumina Laboratory Services, Illumina
Classification: Benign for 3-Methylglutaconic aciduria type 3. Last evaluated: 2018-01-13. Review status: criteria provided, single submitter. Criteria: ICSL Variant Classification Criteria 13 December 2019. Collection method: clinical testing. Allele origin: germline.
Comment: the same text as in the submission from Illumina Laboratory Services, Illumina above.

Breakthrough Genomics
Classification: Benign. Review status: criteria provided, single submitter. Criteria: ACMG Guidelines, 2015. Collection method: not provided. Allele origin: germline. Inheritance: Autosomal recessive inheritance. Affected: yes.